The following is an entry in ClinVar:

NM_018105.3(THAP1):c.57C>T (p.Pro19=)

Gene: THAP1 (THAP domain containing 1; minus strand). Cytogenetic location: 8p11.21.
Variant type: single nucleotide variant.
Coding change: c.57C>T on transcript NM_018105.3 (MANE Select); coding-DNA position 57, C replaced by T.
Protein change: p.Pro19=; no amino-acid change (proline 19 retained).
Molecular consequence: synonymous variant.
Genome position (GRCh38, 1-based): chr8:42,843,038, G>A on the plus strand (C>T on the coding strand, the complement: THAP1 is on the minus strand). VCF-style: chr8-42843038-G-A. GRCh37 (hg19) VCF-style: chr8-42698181-G-A.
Other names: c.57C>T, p.Pro19= (NM_199003.2).
Identifiers: ClinVar variation 699383 (VCV000699383.13), dbSNP rs146087734, ClinGen allele CA4734631.
Genomic context (GRCh38, chr8:42,843,038, plus strand): 5'-CCCACCCCGGCTGAGACCGGCCCCGCGAGGCGCGCAGGGTCCTCACTTGTGGAAAGAAAC[G>A]GGCTTGTCCTTGTCGTAGCGGTTCTTGCAGCCGTAGGCGGAGCAGGACTGCACCATCCTT-3'
Protein context (NP_060575.1, residues 9-29): GCKNRYDKDK[Pro19=]VSFHKFPLTR

ClinVar aggregate classification (germline): Benign/Likely benign. Review status: criteria provided, multiple submitters, no conflicts (2 of 4 stars). 3 submissions from 3 submitters: Benign (1); Likely benign (2). Last evaluated 2025-06-25.

Conditions:
Torsion dystonia 6 (DYT6). Also called: DYT-THAP1. Identifiers: Orphanet 98806, MedGen C1414216, MONDO:0011264, OMIM 602629.

Allele frequency attached by ClinVar (database versions not stated): gnomAD 0.00015 and 0.00013; gnomAD exomes 0.00016 and 0.00008; TOPMed 0.00017; ESP Exome Variant Server 0.00023; ExAC 0.00010.
gnomAD v4.1: 248 of 1,613,302 alleles (0.015%); highest among the groups gnomAD compares: African/African-American, 0.032%; no homozygotes.

Submissions (3):

Labcorp Genetics (formerly Invitae), Labcorp
Classification: Likely benign for Torsion dystonia 6. Last evaluated: 2025-06-25. Review status: criteria provided, single submitter. Criteria: Invitae Variant Classification Sherloc (09022015). Collection method: clinical testing. Allele origin: germline.

Athena Diagnostics
Classification: Likely benign. Last evaluated: 2019-04-29. Review status: criteria provided, single submitter. Criteria: Athena Diagnostics Criteria. Collection method: clinical testing. Allele origin: germline.

Illumina Laboratory Services, Illumina
Classification: Benign for Torsion dystonia 6. Last evaluated: 2018-01-12. Review status: criteria provided, single submitter. Criteria: ICSL Variant Classification Criteria 13 December 2019. Collection method: clinical testing. Allele origin: germline.
Comment: This variant was observed in the ICSL laboratory as part of a predisposition screen in an ostensibly healthy population. It had not been previously curated by ICSL or reported in the Human Gene Mutation Database (HGMD: prior to June 1st, 2018), and was therefore a candidate for classification through an automated scoring system. Utilizing variant allele frequency, disease prevalence and penetrance estimates, and inheritance mode, an automated score was calculated to assess if this variant is too frequent to cause the disease. Based on the score and internal cut-off values, a variant classified as benign is not then subjected to further curation. The score for this variant resulted in a classification of benign for this disease.

Literature cited by the submitters: PubMed 26087139 (cited by Athena Diagnostics); PubMed 27123488 (cited by Athena Diagnostics); PubMed 20083799 (cited by Athena Diagnostics).